The following is an entry in ClinVar:

ClinVar aggregate classification (germline): Uncertain significance. Review status: criteria provided, multiple submitters, no conflicts (2 of 4 stars). 2 submissions from 2 submitters: Uncertain significance (2). Last evaluated 2025-06-28.

Conditions:
Hereditary cancer-predisposing syndrome. Also called: Neoplastic Syndromes, Hereditary; Hereditary neoplastic syndrome; Hereditary Cancer Syndrome; Tumor predisposition. Identifiers: Orphanet 140162, MedGen C0027672, MeSH D009386, MONDO:0015356.
Ataxia-telangiectasia syndrome (AT). Also called: Ataxia-telangiectasia, complementation group E; Ataxia telangiectasia (A-T); LOUIS-BAR SYNDROME; ATAXIA-TELANGIECTASIA, FRESNO VARIANT; AT, COMPLEMENTATION GROUP C; Ataxia-telangiectasia. Identifiers: Orphanet 100, MedGen C0004135, MONDO:0008840, OMIM 208900.

Allele frequency attached by ClinVar (database versions not stated): gnomAD exomes below 0.00001.
gnomAD v4.1: 1 of 1,613,654 alleles (0.000062%); highest among the groups gnomAD compares: Non-Finnish European, 0.000085%; no homozygotes.

Submissions (2):

Ambry Genetics
Classification: Uncertain significance for Hereditary cancer-predisposing syndrome. Last evaluated: 2025-06-28. Review status: criteria provided, single submitter. Criteria: Ambry Variant Classification Scheme 2023. Collection method: clinical testing. Allele origin: germline.
Comment: The p.K196Q variant (also known as c.586A>C), located in coding exon 5 of the ATM gene, results from an A to C substitution at nucleotide position 586. The lysine at codon 196 is replaced by glutamine, an amino acid with similar properties. This amino acid position is conserved. In addition, this alteration is predicted to be tolerated by in silico analysis. Based on the available evidence, the clinical significance of this variant remains unclear.

Labcorp Genetics (formerly Invitae), Labcorp
Classification: Uncertain significance for Ataxia-telangiectasia syndrome. Last evaluated: 2023-09-13. Review status: criteria provided, single submitter. Criteria: Invitae Variant Classification Sherloc (09022015). Collection method: clinical testing. Allele origin: germline.
Comment: This sequence change replaces lysine, which is basic and polar, with glutamine, which is neutral and polar, at codon 196 of the ATM protein (p.Lys196Gln). In summary, the available evidence is currently insufficient to determine the role of this variant in disease. Therefore, it has been classified as a Variant of Uncertain Significance. An algorithm developed to predict the effect of missense changes on protein structure and function (PolyPhen-2) suggests that this variant is likely to be tolerated. ClinVar contains an entry for this variant (Variation ID: 942412). This variant has not been reported in the literature in individuals affected with ATM-related conditions. This variant is not present in population databases (gnomAD no frequency).

NM_000051.4(ATM):c.586A>C (p.Lys196Gln)

Gene: ATM (ATM serine/threonine kinase; plus strand). Cytogenetic location: 11q22.3.
Variant type: single nucleotide variant.
Coding change: c.586A>C on transcript NM_000051.4 (MANE Select); coding-DNA position 586, A replaced by C.
Protein change: p.Lys196Gln; replaces lysine 196 with glutamine.
Molecular consequence: missense variant.
Genome position (GRCh38, 1-based): chr11:108,244,042, A>C. VCF-style: chr11-108244042-A-C. GRCh37 (hg19) VCF-style: chr11-108114769-A-C.
Other names: c.586A>C, p.Lys196Gln (NM_001351834.2); short protein forms K196Q.
Identifiers: ClinVar variation 942412 (VCV000942412.10), dbSNP rs2079703283, ClinGen allele CA382527967.